The following is an entry in ClinVar:

NM_004628.5(XPC):c.72G>A (p.Lys24=)

Genes: XPC (XPC complex subunit, DNA damage recognition and repair factor; minus strand), LOC129936244 (ATAC-STARR-seq lymphoblastoid active region 19500; plus strand). Cytogenetic location: 3p25.1.
Variant type: single nucleotide variant.
Coding change: c.72G>A on transcript NM_004628.5 (MANE Select); coding-DNA position 72, G replaced by A.
Protein change: p.Lys24=; no amino-acid change (lysine 24 retained).
Molecular consequence: synonymous variant. On other transcripts: 5 prime UTR variant (1), non-coding transcript variant (2).
Genome position (GRCh38, 1-based): chr3:14,178,497, C>T on the plus strand (G>A on the coding strand, the complement: XPC is on the minus strand). VCF-style: chr3-14178497-C-T. GRCh37 (hg19) VCF-style: chr3-14219997-C-T.
Other names: c.-384G>A (NM_001354726.2); c.72G>A, p.Lys24= (NM_001354727.2, NM_001354729.2, NM_001354730.2).
Identifiers: ClinVar variation 1128901 (VCV001128901.13), dbSNP rs766695437, ClinGen allele CA2267829.

ClinVar aggregate classification (germline): Likely benign. Review status: criteria provided, multiple submitters, no conflicts (2 of 4 stars). 2 submissions from 2 submitters: Likely benign (2). Last evaluated 2026-03-01.

Allele frequency attached by ClinVar (database versions not stated): gnomAD exomes below 0.00001; ExAC 0.00001.
gnomAD v4.1: 2 of 1,612,518 alleles (0.00012%); highest among the groups gnomAD compares: Admixed American, 0.0017%; no homozygotes.

Submissions (2):

CeGaT Center for Human Genetics Tuebingen
Classification: Likely benign. Last evaluated: 2026-03-01. Review status: criteria provided, single submitter. Criteria: CeGaT Center For Human Genetics Tuebingen Variant Classification Criteria Version 2. Collection method: clinical testing. Allele origin: germline. Affected: yes. Observed: 1 variant allele.
Comment: XPC: BP4, BP7

Labcorp Genetics (formerly Invitae), Labcorp
Classification: Likely benign. Last evaluated: 2026-01-19. Review status: criteria provided, single submitter. Criteria: Invitae Variant Classification Sherloc (09022015). Collection method: clinical testing. Allele origin: germline.